The following is an entry in ClinVar:

ClinVar aggregate classification (germline): Pathogenic/Likely pathogenic. Review status: criteria provided, multiple submitters, no conflicts (2 of 4 stars). 2 submissions from 2 submitters: Pathogenic (1); Likely pathogenic (1). Last evaluated 2026-03-09.

Conditions:
Acid sphingomyelinase deficiency. Identifiers: Orphanet 618899, MedGen C5243927, MONDO:0100464.
Niemann-Pick disease, type A. Also called: SPHINGOMYELIN LIPIDOSIS; SPHINGOMYELINASE DEFICIENCY; Infantile Neurovisceral ASMD (Niemann-Pick Disease Type A; NPD-A). Identifiers: Orphanet 77292, MedGen C0268242, MONDO:0009756, OMIM 257200. Disease mechanism: loss of function.

Submissions (2):

Myriad Genetics, Inc.
Classification: Pathogenic for Acid sphingomyelinase deficiency. Last evaluated: 2026-03-09. Review status: criteria provided, single submitter. Criteria: Myriad Autosomal Dominant, Autosomal Recessive and X-Linked Classification Criteria (2023). Collection method: clinical testing. Allele origin: unknown.
Comment: NM_000543.4(SMPD1):c.1657_1663del7(T553Gfs*58) is a frameshift variant classified as pathogenic in the context of Niemann-Pick disease, SMPD1-related. T553Gfs*58 has been observed in a case with relevant disease (PMID: 20386867). Relevant functional assessments of this variant are not available in the literature. T553Gfs*58 has not been observed in referenced population frequency databases. In summary, NM_000543.4(SMPD1):c.1657_1663del7(T553Gfs*58) is a frameshift variant in a gene where loss of function is a known mechanism of disease, is predicted to disrupt protein function, and has been observed more frequently in cases with the relevant disease than in healthy populations. Please note: this variant was assessed in the context of healthy population screening.

Natera, Inc.
Classification: Likely pathogenic for Niemann-Pick Disease, Types A/B. Last evaluated: 2024-12-31. Review status: criteria provided, single submitter. Criteria: Natera Variant Classification Schema (03/2026). Collection method: clinical testing. Allele origin: germline.
Comment: The c.1657_1663delACCGCCT variant in SMPD1 is a frameshift variant predicted to shift the reading frame beginning at codon 553 and leads to a stop codon 58 codons downstream. This variant is expected to result in nonsense mediated decay, truncation, or a dysfunctional protein product. This variant is rare in the general population with a frequency below the threshold expected for the associated phenotype(s). Given the available evidence, this variant is classified as Likely Pathogenic.

Literature cited by the submitters: PubMed 20386867 (cited by Myriad Genetics, Inc.).

NM_000543.5(SMPD1):c.1657_1663del (p.Thr553fs)

Gene: SMPD1 (sphingomyelin phosphodiesterase 1; plus strand). Cytogenetic location: 11p15.4.
Variant type: Deletion.
Coding change: c.1657_1663del on transcript NM_000543.5 (MANE Select); coding-DNA positions 1657 to 1663, 7 bases deleted (ACCGCCT; older notation c.1657_1663delACCGCCT).
Protein change: p.Thr553fs; shifts the reading frame from threonine 553.
Molecular consequence: frameshift variant. On other transcripts: 3 prime UTR variant (1), non-coding transcript variant (2).
Genome position (GRCh38, 1-based): chr11:6,394,368-6,394,374, ACCGCCT deleted; deleting any 7 consecutive bases within chr11:6,394,364-6,394,374 gives the same sequence; the c. name uses the placement nearest the transcript's 3' end. VCF-style (leftmost placement, unchanged base first): chr11-6394363-TGCCTACC-T. GRCh37 (hg19) VCF-style: chr11-6415593-TGCCTACC-T.
Other names: c.1654_1660del, p.Thr552fs (NM_001007593.3); c.*150_*156del (NM_001318087.2); c.736_742del, p.Thr246fs (NM_001318088.2); c.1525_1531del, p.Thr509fs (NM_001365135.2); short protein forms T246fs, T509fs, T552fs, T553fs.
Identifiers: ClinVar variation 4814349 (VCV004814349.2).